The following is an entry in ClinVar:

ClinVar aggregate classification (germline): Uncertain significance (1 of 4 stars; one submission).

gnomAD v4.1: 1 of 1,614,078 alleles (0.000062%); highest among the groups gnomAD compares: Non-Finnish European, 0.000085%; no homozygotes.

Submission:

Labcorp Genetics (formerly Invitae), Labcorp
Classification: Uncertain significance. Last evaluated: 2023-12-27. Review status: criteria provided, single submitter. Criteria: Invitae Variant Classification Sherloc (09022015). Collection method: clinical testing. Allele origin: germline.
Comment: This sequence change replaces methionine, which is neutral and non-polar, with leucine, which is neutral and non-polar, at codon 239 of the PAFAH1B1 protein (p.Met239Leu). This variant is not present in population databases (gnomAD no frequency). This variant has not been reported in the literature in individuals affected with PAFAH1B1-related conditions. An algorithm developed to predict the effect of missense changes on protein structure and function (PolyPhen-2) suggests that this variant is likely to be tolerated. In summary, the available evidence is currently insufficient to determine the role of this variant in disease. Therefore, it has been classified as a Variant of Uncertain Significance.

NM_000430.4(PAFAH1B1):c.715A>T (p.Met239Leu)

Gene: PAFAH1B1 (platelet activating factor acetylhydrolase 1b regulatory subunit 1; plus strand). Cytogenetic location: 17p13.3.
Variant type: single nucleotide variant.
Coding change: c.715A>T on transcript NM_000430.4 (MANE Select); coding-DNA position 715, A replaced by T.
Protein change: p.Met239Leu; replaces methionine 239 with leucine.
Molecular consequence: missense variant.
Genome position (GRCh38, 1-based): chr17:2,674,103, A>T. VCF-style: chr17-2674103-A-T. GRCh37 (hg19) VCF-style: chr17-2577397-A-T.
Other names: short protein forms M239L.
Identifiers: ClinVar variation 2701542 (VCV002701542.3), dbSNP rs2544106323, ClinGen allele CA397641705.